The following is an entry in ClinVar:

NM_003159.3(CDKL5):c.2979C>T (p.Ser993=)

Genes: CDKL5 (cyclin dependent kinase like 5; plus strand), RS1 (retinoschisin 1; minus strand). Cytogenetic location: Xp22.13.
Variant type: single nucleotide variant.
Coding change: c.2979C>T on transcript NM_003159.3; coding-DNA position 2979, C replaced by T.
Protein change: p.Ser993=; no amino-acid change (serine 993 retained).
Molecular consequence: synonymous variant. On other transcripts: intron variant (1).
Genome position (GRCh38, 1-based): chrX:18,650,591, C>T. VCF-style: chrX-18650591-C-T. GRCh37 (hg19) VCF-style: chrX-18668711-C-T.
Other names: c.2979C>T, p.Ser993= (NM_001037343.2); c.185-3259G>A (NM_000330.4).
Identifiers: ClinVar variation 2583078 (VCV002583078.23), dbSNP rs750725714, ClinGen allele CA10360752.
Genomic context (GRCh38, chrX:18,650,591, plus strand): 5'-CATGTGCCCGACACTCCAGGTCCGAGGCACTGATGCTTTCAGCTGCCCAACCCAGCAATC[C>T]GGTAAGCAGAGACTCTAGACCGGTGGGGCTCAGCCTGGGCTGTACCTCGGAATTGCCCGA-3'

ClinVar aggregate classification (germline): Likely benign (1 of 4 stars; one submission).

Allele frequency attached by ClinVar (database versions not stated): gnomAD 0.00001; gnomAD exomes below 0.00001; ExAC 0.00001.
gnomAD v4.1: 4 of 1,210,383 alleles (0.00033%); highest among the groups gnomAD compares: South Asian, 0.0018%; no homozygotes.

Submission:

CeGaT Center for Human Genetics Tuebingen
Classification: Likely benign. Last evaluated: 2023-09-01. Review status: criteria provided, single submitter. Criteria: CeGaT Center For Human Genetics Tuebingen Variant Classification Criteria Version 2. Collection method: clinical testing. Allele origin: germline. Affected: yes. Observed: 1 variant allele.
Comment: CDKL5: BP4, BP7